The following is an entry in ClinVar:

NC_000011.9:g.(?_108009615)_(108009778_?)del

Gene: ACAT1 (acetyl-CoA acetyltransferase 1; plus strand). Cytogenetic location: 11q22.3.
Variant type: Deletion.
Identifiers: ClinVar variation 1066249 (VCV001066249.7).

ClinVar aggregate classification (germline): Likely pathogenic (1 of 4 stars; one submission).

Conditions:
Deficiency of acetyl-CoA acetyltransferase. Also called: 3-KETOTHIOLASE DEFICIENCY; 3-OXOTHIOLASE DEFICIENCY; MITOCHONDRIAL ACETOACETYL-CoA THIOLASE DEFICIENCY; Beta-ketothiolase deficiency. Identifiers: Orphanet 134, MedGen C1536500, MONDO:0008760, OMIM 203750. Disease mechanism: loss of function.

Submission:

Labcorp Genetics (formerly Invitae), Labcorp
Classification: Likely pathogenic for Deficiency of acetyl-CoA acetyltransferase. Last evaluated: 2020-09-21. Review status: criteria provided, single submitter. Criteria: Invitae Variant Classification Sherloc (09022015). Collection method: clinical testing. Allele origin: germline.
Comment: This variant is an in-frame deletion of the genomic region encompassing exon(s) 6 of the ACAT1 gene. It preserves the integrity of the reading frame. This variant has not been reported in the literature in individuals with ACAT1-related conditions. This variant disrupts the p.Asn158 amino acid residue in ACAT1. Other variant(s) that disrupt this residue have been determined to be pathogenic (PMID: 17236799, 21669895). This suggests that this residue is clinically significant, and that variants that disrupt this residue are likely to be disease-causing. In summary, the currently available evidence indicates that the variant is pathogenic, but additional data are needed to prove that conclusively. Therefore, this variant has been classified as Likely Pathogenic.

Literature cited by the submitters: PubMed 17236799; PubMed 21669895.